The following is an entry in ClinVar:

NM_153676.4(USH1C):c.1007A>G (p.Glu336Gly)

Gene: USH1C (USH1 protein network component harmonin; minus strand). Cytogenetic location: 11p15.1.
Variant type: single nucleotide variant.
Coding change: c.1007A>G on transcript NM_153676.4 (MANE Select); coding-DNA position 1007, A replaced by G.
Protein change: p.Glu336Gly; replaces glutamic acid 336 with glycine.
Molecular consequence: missense variant. On other transcripts: non-coding transcript variant (1).
Genome position (GRCh38, 1-based): chr11:17,522,796, T>C on the plus strand (A>G on the coding strand, the complement: USH1C is on the minus strand). VCF-style: chr11-17522796-T-C. GRCh37 (hg19) VCF-style: chr11-17544343-T-C.
Other names: c.950A>G, p.Glu317Gly (NM_001297764.2); c.1007A>G, p.Glu336Gly (NM_005709.4); short protein forms E317G, E336G.
Identifiers: ClinVar variation 2104952 (VCV002104952.2), dbSNP rs2497154238, ClinGen allele CA379786884.

ClinVar aggregate classification (germline): Uncertain significance (1 of 4 stars; one submission).

Submission:

Labcorp Genetics (formerly Invitae), Labcorp
Classification: Uncertain significance. Last evaluated: 2022-03-14. Review status: criteria provided, single submitter. Criteria: Invitae Variant Classification Sherloc (09022015). Collection method: clinical testing. Allele origin: germline.
Comment: In summary, the available evidence is currently insufficient to determine the role of this variant in disease. Therefore, it has been classified as a Variant of Uncertain Significance. Algorithms developed to predict the effect of missense changes on protein structure and function are either unavailable or do not agree on the potential impact of this missense change (SIFT: "Tolerated"; PolyPhen-2: "Possibly Damaging"; Align-GVGD: "Class C0"). This variant has not been reported in the literature in individuals affected with USH1C-related conditions. This variant is not present in population databases (gnomAD no frequency). This sequence change replaces glutamic acid, which is acidic and polar, with glycine, which is neutral and non-polar, at codon 336 of the USH1C protein (p.Glu336Gly).